The following is an entry in ClinVar:

ClinVar aggregate classification (germline): Likely benign. Review status: criteria provided, single submitter (1 of 4 stars). 2 submissions from 2 submitters: Likely benign (1). 1 of the submissions does not count toward it. Last evaluated 2025-10-16.

Conditions:
Amyotrophic lateral sclerosis type 6. Also called: FUS-Related Amyotrophic Laterial Sclerosis; Amyotrophic lateral sclerosis 6, with or without frontotemporal dementia; AMYOTROPHIC LATERAL SCLEROSIS 6 WITHOUT FRONTOTEMPORAL DEMENTIA. Identifiers: Orphanet 275872, Orphanet 803, MedGen C2931786, MONDO:0011951, OMIM 608030.
Tremor, hereditary essential, 4 (ETM4). Identifiers: MedGen C3539195, MONDO:0013888, OMIM 614782.
FUS-related disorder. Also called: FUS-related condition.

Submissions (2):

Labcorp Genetics (formerly Invitae), Labcorp
Classification: Likely benign for Tremor, hereditary essential, 4; Amyotrophic lateral sclerosis type 6. Last evaluated: 2025-10-16. Review status: criteria provided, single submitter. Criteria: Invitae Variant Classification Sherloc (09022015). Collection method: clinical testing. Allele origin: germline.

PreventionGenetics, part of Exact Sciences
Classification: Likely benign for FUS-related condition. Last evaluated: 2023-05-12. Review status: no assertion criteria provided. Collection method: clinical testing. Allele origin: germline. Not counted in ClinVar's aggregate classification.
Comment: This variant is classified as likely benign based on ACMG/AMP sequence variant interpretation guidelines (Richards et al. 2015 PMID: 25741868, with internal and published modifications).

NM_004960.4(FUS):c.1168+3GAG[3]

Gene: FUS (FUS RNA binding protein; plus strand). Cytogenetic location: 16p11.2.
Variant type: Microsatellite.
Coding change: c.1168+3GAG[3] on transcript NM_004960.4 (MANE Select); three copies in a row of the 3-base unit GAG starting at c.1168+3; the reference has two copies in a row; one copy, 3 bases duplicated.
Molecular consequence: intron variant.
Genome position (GRCh38, 1-based): chr16:31,190,147-31,190,149, GAG duplicated; duplicating any 3 consecutive bases within chr16:31,190,144-31,190,149 gives the same sequence; the position shown is the placement nearest the transcript's 3' end. VCF-style (leftmost placement, unchanged base first): chr16-31190143-T-TGAG. GRCh37 (hg19) VCF-style: chr16-31201464-T-TGAG.
Other names: c.1156+3GAG[3] (NM_001170937.1); c.1165+3GAG[3] (NM_001170634.1).
Identifiers: ClinVar variation 3356136 (VCV003356136.2).